The following is an entry in ClinVar:

ClinVar aggregate classification (germline): Likely benign. Review status: criteria provided, multiple submitters, no conflicts (2 of 4 stars). 2 submissions from 2 submitters: Likely benign (2). Last evaluated 2025-06-05.

Conditions:
Megaconial type congenital muscular dystrophy (MDCMC). Also called: CHKB-Related Muscular Dystrophy; CHKB-Related Muscle Diseases; MUSCULAR DYSTROPHY, CONGENITAL, WITH MITOCHONDRIAL STRUCTURAL ABNORMALITIES. Identifiers: Orphanet 280671, MedGen C1865233, MONDO:0011246, OMIM 602541.

Allele frequency attached by ClinVar (database versions not stated): gnomAD exomes below 0.00001; gnomAD 0.00001; TOPMed 0.00001.

Submissions (2):

Labcorp Genetics (formerly Invitae), Labcorp
Classification: Likely benign for Megaconial type congenital muscular dystrophy. Last evaluated: 2025-06-05. Review status: criteria provided, single submitter. Criteria: Invitae Variant Classification Sherloc (09022015). Collection method: clinical testing. Allele origin: germline.

GeneDx
Classification: Likely benign. Last evaluated: 2016-05-19. Review status: criteria provided, single submitter. Criteria: GeneDx Variant Classification (06012015). Collection method: clinical testing. Allele origin: germline. Affected: yes.
Comment: This variant is considered likely benign or benign based on one or more of the following criteria: it is a conservative change, it occurs at a poorly conserved position in the protein, it is predicted to be benign by multiple in silico algorithms, and/or has population frequency not consistent with disease.

NM_005198.5(CHKB):c.648C>T (p.Tyr216=)

Genes: CHKB (choline kinase beta; minus strand), CHKB-CPT1B (CHKB-CPT1B readthrough (NMD candidate); minus strand). Cytogenetic location: 22q13.33.
Variant type: single nucleotide variant.
Coding change: c.648C>T on transcript NM_005198.5 (MANE Select); coding-DNA position 648, C replaced by T.
Protein change: p.Tyr216=; no amino-acid change (tyrosine 216 retained).
Molecular consequence: synonymous variant. On other transcripts: non-coding transcript variant (1).
Genome position (GRCh38, 1-based): chr22:50,580,594, G>A on the plus strand (C>T on the coding strand, the complement: CHKB is on the minus strand). VCF-style: chr22-50580594-G-A. GRCh37 (hg19) VCF-style: chr22-51019023-G-A.
Identifiers: ClinVar variation 386044 (VCV000386044.2), dbSNP rs1057522405, ClinGen allele CA16608684.